The following is an entry in ClinVar:

NM_007118.4(TRIO):c.9103C>G (p.Pro3035Ala)

Gene: TRIO (trio Rho guanine nucleotide exchange factor; plus strand). Cytogenetic location: 5p15.2.
Variant type: single nucleotide variant.
Coding change: c.9103C>G on transcript NM_007118.4 (MANE Select); coding-DNA position 9103, C replaced by G.
Protein change: p.Pro3035Ala; replaces proline 3035 with alanine.
Molecular consequence: missense variant. On other transcripts: non-coding transcript variant (1).
Genome position (GRCh38, 1-based): chr5:14,508,231, C>G. VCF-style: chr5-14508231-C-G. GRCh37 (hg19) VCF-style: chr5-14508340-C-G.
Other names: short protein forms P3035A.
Identifiers: ClinVar variation 3572763 (VCV003572763.1).

ClinVar aggregate classification (germline): Uncertain significance (1 of 4 stars; one submission).

gnomAD v4.1: 1 of 1,613,942 alleles (0.000062%); highest among the groups gnomAD compares: African/African-American, 0.0013%; no homozygotes.

Submission:

GeneDx
Classification: Uncertain significance. Last evaluated: 2024-07-09. Review status: criteria provided, single submitter. Criteria: GeneDx Variant Classification Process June 2021. Collection method: clinical testing. Allele origin: germline. Affected: yes.
Comment: Not observed at significant frequency in large population cohorts (gnomAD); In silico analysis supports that this missense variant has a deleterious effect on protein structure/function; Has not been previously published as pathogenic or benign to our knowledge